The following is an entry in ClinVar:

ClinVar aggregate classification (germline): Pathogenic (1 of 4 stars; one submission).

Conditions:
Retinitis pigmentosa 20 (RP20). Identifiers: Orphanet 791, MedGen C3151086, MONDO:0013425, OMIM 613794.
Leber congenital amaurosis 2 (LCA2). Also called: Autosomal Recessive RPE65-Related Retinal Degeneration; AMAUROSIS CONGENITA OF LEBER II. Identifiers: Orphanet 65, MedGen C1859844, MONDO:0008765, OMIM 204100. Disease mechanism: loss of function.

Submission:

Labcorp Genetics (formerly Invitae), Labcorp
Classification: Pathogenic for Leber congenital amaurosis 2; Retinitis pigmentosa 20. Last evaluated: 2021-02-02. Review status: criteria provided, single submitter. Criteria: Invitae Variant Classification Sherloc (09022015). Collection method: clinical testing. Allele origin: germline.
Comment: For these reasons, this variant has been classified as Pathogenic. This variant has not been reported in the literature in individuals with RPE65-related conditions. This variant is not present in population databases (ExAC no frequency). This sequence change creates a premature translational stop signal (p.Ile259Asnfs*2) in the RPE65 gene. It is expected to result in an absent or disrupted protein product. Loss-of-function variants in RPE65 are known to be pathogenic (PMID: 9326941, 9501220, 9843205, 18632300).

Literature cited by the submitters: PubMed 9326941; PubMed 9501220; PubMed 9843205; PubMed 18632300.

NM_000329.3(RPE65):c.775dup (p.Ile259fs)

Gene: RPE65 (retinoid isomerohydrolase RPE65; minus strand). Cytogenetic location: 1p31.3.
Variant type: Duplication.
Coding change: c.775dup on transcript NM_000329.3 (MANE Select); coding-DNA position 775, one base duplicated (A; older notation c.775dupA).
Protein change: p.Ile259fs; shifts the reading frame from isoleucine 259.
Molecular consequence: frameshift variant.
Genome position (GRCh38, 1-based): chr1:68,439,274, T duplicated on the plus strand (A on the coding strand, the reverse complement: RPE65 is on the minus strand); the first of 4 consecutive T bases (chr1:68,439,274-68,439,277); duplicating any one gives the same sequence. VCF-style (leftmost placement, unchanged base first): chr1-68439273-A-AT. GRCh37 (hg19) VCF-style: chr1-68904956-A-AT.
Other names: short protein forms I259fs.
Identifiers: ClinVar variation 1380598 (VCV001380598.6), dbSNP rs2100819197, ClinGen allele CA2573132579.
Genomic context (GRCh38, chr1:68,439,273, plus strand): 5'-AAACAATCCATGTAGTTGGCTCCCCAAAGACTCCATGAAGAAAGGAACTTGAACAGGTTA[A>AT]TTTTGACTGGTGTCTCCACAAAAACGATATAGTTGGGAGTCAGACCAAAACTGTTCAGAA-3'